The following is an entry in ClinVar:

NM_000535.7(PMS2):c.2130G>A (p.Glu710=)

Gene: PMS2 (PMS1 homolog 2, mismatch repair system component; minus strand). Cytogenetic location: 7p22.1.
Variant type: single nucleotide variant.
Coding change: c.2130G>A on transcript NM_000535.7 (MANE Select); coding-DNA position 2130, G replaced by A.
Protein change: p.Glu710=; no amino-acid change (glutamic acid 710 retained).
Molecular consequence: synonymous variant. On other transcripts: non-coding transcript variant (1).
Genome position (GRCh38, 1-based): chr7:5,982,868, C>T on the plus strand (G>A on the coding strand, the complement: PMS2 is on the minus strand). VCF-style: chr7-5982868-C-T. GRCh37 (hg19) VCF-style: chr7-6022499-C-T.
Other names: c.1725G>A, p.Glu575= (NM_001322003.2, NM_001322004.2, NM_001322005.2 and 1 more transcripts); c.1974G>A, p.Glu658= (NM_001322006.2); c.1812G>A, p.Glu604= (NM_001322007.2, NM_001322008.2); c.1569G>A, p.Glu523= (NM_001322010.2); c.1197G>A, p.Glu399= (NM_001322011.2, NM_001322012.2); c.1557G>A, p.Glu519= (NM_001322013.2); c.2130G>A, p.Glu710= (NM_001322014.2); c.1821G>A, p.Glu607= (NM_001322015.2).
Identifiers: ClinVar variation 820778 (VCV000820778.5), dbSNP rs1583298471, ClinGen allele CA453643085.
Genomic context (GRCh38, chr7:5,982,868, plus strand): 5'-CACTAAACACACTCACGCTATGAGCCTCTGCCCCTGGAGCACGGTGTGCTGCTGCAGCAT[C>T]TCGAAGTTATACTTCTCGTCCGTGGCATGCTGGTCCACTATGAAGATATCCTCATTCAGT-3'
Protein context (NP_000526.2, residues 700-720): QHATDEKYNF[Glu710=]MLQQHTVLQG

ClinVar aggregate classification (germline): Benign/Likely benign. Review status: criteria provided, multiple submitters, no conflicts (2 of 4 stars). 2 submissions from 2 submitters: Benign (1); Likely benign (1). Last evaluated 2025-02-03.

Conditions:
Hereditary cancer-predisposing syndrome. Also called: Neoplastic Syndromes, Hereditary; Tumor predisposition; Hereditary Cancer Syndrome; Hereditary neoplastic syndrome. Identifiers: Orphanet 140162, MedGen C0027672, MeSH D009386, MONDO:0015356.
Lynch syndrome 4 (LYNCH4). Also called: Colorectal cancer, hereditary nonpolyposis, type 4; Hereditary non-polyposis colorectal cancer, type 4. Identifiers: Orphanet 144, MedGen C1838333, MONDO:0013699, OMIM 614337. Disease mechanism: loss of function.

Submissions (2):

Myriad Genetics, Inc.
Classification: Benign for Lynch syndrome 4. Last evaluated: 2025-02-03. Review status: criteria provided, single submitter. Criteria: Myriad Autosomal Dominant, Autosomal Recessive and X-Linked Classification Criteria (2023). Collection method: clinical testing. Allele origin: unknown.
Comment: This variant is considered benign. This variant is a silent/synonymous amino acid change and it is not expected to impact splicing.

Ambry Genetics
Classification: Likely benign for Hereditary cancer-predisposing syndrome. Last evaluated: 2019-01-30. Review status: criteria provided, single submitter. Criteria: Ambry Variant Classification Scheme 2023. Collection method: clinical testing. Allele origin: germline.